The following is an entry in ClinVar:

ClinVar aggregate classification (germline): Uncertain significance (1 of 4 stars; one submission).

Conditions:
Hereditary spastic paraplegia 28. Also called: Spastic paraplegia 28, autosomal recessive. Identifiers: Orphanet 101008, MedGen C1836295, MONDO:0012256, OMIM 609340.

Allele frequency attached by ClinVar (database versions not stated): gnomAD 0.00003; gnomAD exomes 0.00007; TOPMed 0.00007; ExAC 0.00011.
gnomAD v4.1: 48 of 1,613,854 alleles (0.003%); highest among the groups gnomAD compares: Admixed American, 0.08%; no homozygotes.

Submission:

Labcorp Genetics (formerly Invitae), Labcorp
Classification: Uncertain significance for Hereditary spastic paraplegia 28. Last evaluated: 2024-01-08. Review status: criteria provided, single submitter. Criteria: Invitae Variant Classification Sherloc (09022015). Collection method: clinical testing. Allele origin: germline.
Comment: This sequence change replaces leucine, which is neutral and non-polar, with phenylalanine, which is neutral and non-polar, at codon 251 of the DDHD1 protein (p.Leu251Phe). This variant is present in population databases (rs770654348, gnomAD 0.1%). This variant has not been reported in the literature in individuals affected with DDHD1-related conditions. ClinVar contains an entry for this variant (Variation ID: 2057420). Advanced modeling of protein sequence and biophysical properties (such as structural, functional, and spatial information, amino acid conservation, physicochemical variation, residue mobility, and thermodynamic stability) performed at Invitae indicates that this missense variant is not expected to disrupt DDHD1 protein function with a negative predictive value of 80%. In summary, the available evidence is currently insufficient to determine the role of this variant in disease. Therefore, it has been classified as a Variant of Uncertain Significance.

NM_001160148.2(DDHD1):c.751C>T (p.Leu251Phe)

Genes: DDHD1 (DDHD domain containing 1; minus strand), LOC130055658 (ATAC-STARR-seq lymphoblastoid active region 8401; plus strand). Cytogenetic location: 14q22.1.
Variant type: single nucleotide variant.
Coding change: c.751C>T on transcript NM_001160148.2 (MANE Select); coding-DNA position 751, C replaced by T.
Protein change: p.Leu251Phe; replaces leucine 251 with phenylalanine.
Molecular consequence: missense variant.
Genome position (GRCh38, 1-based): chr14:53,152,348, G>A on the plus strand (C>T on the coding strand, the complement: DDHD1 is on the minus strand). VCF-style: chr14-53152348-G-A. GRCh37 (hg19) VCF-style: chr14-53619066-G-A.
Other names: c.751C>T, p.Leu251Phe (NM_001160147.2, NM_030637.3); short protein forms L251F.
Identifiers: ClinVar variation 2057420 (VCV002057420.2), dbSNP rs770654348, ClinGen allele CA7191419.